The following is an entry in ClinVar:

NM_001164507.2(NEB):c.21341G>A (p.Arg7114Gln)

Genes: NEB (nebulin; minus strand), RIF1 (replication timing regulatory factor 1; plus strand). Cytogenetic location: 2q23.3.
Variant type: single nucleotide variant.
Coding change: c.21341G>A on transcript NM_001164507.2 (MANE Plus Clinical); coding-DNA position 21341, G replaced by A.
Protein change: p.Arg7114Gln; replaces arginine 7114 with glutamine.
Molecular consequence: missense variant. On other transcripts: intron variant (1).
Genome position (GRCh38, 1-based): chr2:151,534,291, C>T on the plus strand (G>A on the coding strand, the complement: NEB is on the minus strand). VCF-style: chr2-151534291-C-T. GRCh37 (hg19) VCF-style: chr2-152390805-C-T.
Other names: c.21341G>A, p.Arg7114Gln (NM_001271208.2); c.16238G>A, p.Arg5413Gln (NM_004543.5); c.21313-745G>A (NM_001164508.2); short protein forms R5413Q, R7114Q.
Identifiers: ClinVar variation 331426 (VCV000331426.25), dbSNP rs372284984, ClinGen allele CA1907006.

ClinVar aggregate classification (germline): Conflicting classifications of pathogenicity. Review status: criteria provided, conflicting classifications (1 of 4 stars). 8 submissions from 8 submitters: Uncertain significance (4); Benign (1); Likely benign (2). 1 of the submissions does not count toward it. Last evaluated 2026-03-01.

Conditions:
Inborn genetic diseases. Identifiers: MedGen C0950123, MeSH D030342.
Nemaline myopathy 2 (NEM2). Also called: Nemaline myopathy 2, autosomal recessive. Identifiers: MedGen C1850569, MONDO:0009725, OMIM 256030.

Allele frequency attached by ClinVar (database versions not stated): gnomAD 0.00006 and 0.00011; ESP Exome Variant Server 0.00008; TOPMed 0.00008; gnomAD exomes 0.00015 and 0.00021; 1000 Genomes Project 0.00020; ExAC 0.00022; 1000 Genomes Project 30x 0.00031.
gnomAD v4.1: 227 of 1,613,544 alleles (0.014%); highest among the groups gnomAD compares: East Asian, 0.11%; 1 homozygote.

Submissions (8):

CeGaT Center for Human Genetics Tuebingen
Classification: Likely benign. Last evaluated: 2026-03-01. Review status: criteria provided, single submitter. Criteria: CeGaT Center For Human Genetics Tuebingen Variant Classification Criteria Version 2. Collection method: clinical testing. Allele origin: germline. Affected: yes. Observed: 2 variant alleles.
Comment: NEB: BP4

Labcorp Genetics (formerly Invitae), Labcorp
Classification: Benign for Nemaline myopathy 2. Last evaluated: 2026-01-28. Review status: criteria provided, single submitter. Criteria: Invitae Variant Classification Sherloc (09022015). Collection method: clinical testing. Allele origin: germline.

Blueprint Genetics
Classification: Uncertain significance. Last evaluated: 2024-11-25. Review status: criteria provided, single submitter. Criteria: ACMG Guidelines, 2015. Collection method: clinical testing. Allele origin: germline.

Revvity Omics, Revvity
Classification: Uncertain significance. Last evaluated: 2024-11-19. Review status: criteria provided, single submitter. Criteria: ACMG Guidelines, 2015. Collection method: clinical testing. Allele origin: germline.

Ambry Genetics
Classification: Uncertain significance for Inborn genetic diseases. Last evaluated: 2024-11-11. Review status: criteria provided, single submitter. Criteria: Ambry Variant Classification Scheme 2023. Collection method: clinical testing. Allele origin: germline.

GeneDx
Classification: Likely benign. Last evaluated: 2018-12-14. Review status: criteria provided, single submitter. Criteria: GeneDx Variant Classification Process June 2021. Collection method: clinical testing. Allele origin: germline. Affected: yes.

Illumina Laboratory Services, Illumina
Classification: Uncertain significance for Nemaline myopathy 2. Last evaluated: 2018-01-12. Review status: criteria provided, single submitter. Criteria: ICSL Variant Classification Criteria 13 December 2019. Collection method: clinical testing. Allele origin: germline.

Natera, Inc.
Classification: Uncertain significance for Nemaline myopathy type 2. Last evaluated: 2020-01-17. Review status: no assertion criteria provided. Collection method: clinical testing. Allele origin: germline. Not counted in ClinVar's aggregate classification.